The following is an entry in ClinVar:

NM_000719.7(CACNA1C):c.5276C>T (p.Ser1759Leu)

Genes: CACNA1C (calcium voltage-gated channel subunit alpha1 C; plus strand), CACNA1C-AS1 (CACNA1C antisense RNA 1; minus strand). Cytogenetic location: 12p13.33.
Variant type: single nucleotide variant.
Coding change: c.5276C>T on transcript NM_000719.7 (MANE Select); coding-DNA position 5276, C replaced by T.
Protein change: p.Ser1759Leu; replaces serine 1759 with leucine.
Molecular consequence: missense variant.
Genome position (GRCh38, 1-based): chr12:2,679,628, C>T. VCF-style: chr12-2679628-C-T. GRCh37 (hg19) VCF-style: chr12-2788794-C-T.
Other names: c.5420C>T, p.Ser1807Leu (NM_001129827.2, NM_199460.4); c.5399C>T, p.Ser1800Leu (NM_001129829.2); c.5276C>T, p.Ser1759Leu (NM_001129830.3, NM_001129840.2, NM_001129841.2 and 4 more transcripts); c.5360C>T, p.Ser1787Leu (NM_001129831.2); c.5336C>T, p.Ser1779Leu (NM_001129832.2); c.5333C>T, p.Ser1778Leu (NM_001129833.2, NM_001129834.2, NM_001129835.2); c.5327C>T, p.Ser1776Leu (NM_001129836.2); c.5300C>T, p.Ser1767Leu (NM_001129837.2, NM_001129838.2); and 3 more; short protein forms S1767L, S1787L, S1748L, S1765L, S1776L, S1779L, S1756L, S1778L.
Identifiers: ClinVar variation 1421409 (VCV001421409.7), dbSNP rs756883184, ClinGen allele CA6389743.
Genomic context (GRCh38, chr12:2,679,628, plus strand): 5'-ACACTGAGTCGCCATCCCACGAGAAGCTGGTGGACTCCACCTTCACCCCGAGCAGCTACT[C>T]GTCCACCGGCTCCAACGCCAACATCAACAACGCCAACAACACCGCCCTGGGTCGCCTCCC-3'
Protein context (NP_000710.5, residues 1749-1769): VDSTFTPSSY[Ser1759Leu]STGSNANINN

ClinVar aggregate classification (germline): Uncertain significance. Review status: criteria provided, multiple submitters, no conflicts (2 of 4 stars). 2 submissions from 2 submitters: Uncertain significance (2). Last evaluated 2023-05-12.

Conditions:
Long QT syndrome (LQTS). Identifiers: MedGen C0023976, MeSH D008133, MONDO:0002442. Disease mechanism: loss of function. Inheritance: Various modes of inheritance.

Allele frequency attached by ClinVar (database versions not stated): gnomAD exomes below 0.00001 and 0.00001; ExAC 0.00001; TOPMed 0.00001.
gnomAD v4.1: 4 of 1,613,918 alleles (0.00025%); highest among the groups gnomAD compares: Admixed American, 0.0033%; no homozygotes.

Submissions (2):

Blueprint Genetics
Classification: Uncertain significance. Last evaluated: 2023-05-12. Review status: criteria provided, single submitter. Criteria: ACMG Guidelines, 2015. Collection method: clinical testing. Allele origin: germline.

Labcorp Genetics (formerly Invitae), Labcorp
Classification: Uncertain significance for Long QT syndrome. Last evaluated: 2021-08-29. Review status: criteria provided, single submitter. Criteria: Invitae Variant Classification Sherloc (09022015). Collection method: clinical testing. Allele origin: germline.
Comment: In summary, the available evidence is currently insufficient to determine the role of this variant in disease. Therefore, it has been classified as a Variant of Uncertain Significance. Algorithms developed to predict the effect of missense changes on protein structure and function are either unavailable or do not agree on the potential impact of this missense change (SIFT: "Deleterious"; PolyPhen-2: "Probably Damaging"; Align-GVGD: "Class C0"). This variant has not been reported in the literature in individuals affected with CACNA1C-related conditions. This variant is present in population databases (rs756883184, ExAC 0.01%). This sequence change replaces serine with leucine at codon 1759 of the CACNA1C protein (p.Ser1759Leu). The serine residue is highly conserved and there is a large physicochemical difference between serine and leucine.